The following is an entry in ClinVar:

ClinVar aggregate classification (germline): Pathogenic (1 of 4 stars; one submission).

Conditions:
Pyruvate carboxylase deficiency. Also called: PC DEFICIENCY; ATAXIA WITH LACTIC ACIDOSIS II; LEIGH NECROTIZING ENCEPHALOPATHY DUE TO PYRUVATE CARBOXYLASE DEFICIENCY; LEIGH SYNDROME DUE TO PYRUVATE CARBOXYLASE DEFICIENCY; Pyruvate Carboxylase Deficiency Disease. Identifiers: Orphanet 3008, MedGen C0034341, MONDO:0009949, OMIM 266150.

Submission:

Labcorp Genetics (formerly Invitae), Labcorp
Classification: Pathogenic for Pyruvate carboxylase deficiency. Last evaluated: 2022-11-23. Review status: criteria provided, single submitter. Criteria: Invitae Variant Classification Sherloc (09022015). Collection method: clinical testing. Allele origin: germline.
Comment: For these reasons, this variant has been classified as Pathogenic. This variant has not been reported in the literature in individuals affected with PC-related conditions. This variant is not present in population databases (gnomAD no frequency). This sequence change creates a premature translational stop signal (p.Gly198Glufs*96) in the PC gene. It is expected to result in an absent or disrupted protein product. Loss-of-function variants in PC are known to be pathogenic (PMID: 12112657, 19306334).

Literature cited by the submitters: PubMed 12112657; PubMed 19306334.

NM_001040716.2(PC):c.593_612del (p.Gly198fs)

Gene: PC (pyruvate carboxylase; minus strand). Cytogenetic location: 11q13.2.
Variant type: Deletion.
Coding change: c.593_612del on transcript NM_001040716.2 (MANE Select); coding-DNA positions 593 to 612, 20 bases deleted (GGGGTGGAGGGCGTGGCATG).
Protein change: p.Gly198fs; shifts the reading frame from glycine 198.
Molecular consequence: frameshift variant.
Genome position (GRCh38, 1-based): chr11:66,871,073-66,871,092, CATGCCACGCCCTCCACCCC deleted on the plus strand (GGGGTGGAGGGCGTGGCATG on the coding strand, the reverse complement: PC is on the minus strand); deleting any 20 consecutive bases within chr11:66,871,073-66,871,095 gives the same sequence; the c. name uses the placement nearest the transcript's 3' end. VCF-style (leftmost placement, unchanged base first): chr11-66871072-TCATGCCACGCCCTCCACCCC-T. GRCh37 (hg19) VCF-style: chr11-66638543-TCATGCCACGCCCTCCACCCC-T.
Other names: c.593_612del, p.Gly198fs (NM_000920.4, NM_022172.3); short protein forms G198fs.
Identifiers: ClinVar variation 2815818 (VCV002815818.3), dbSNP rs2495781450, ClinGen allele CA2739270604.
Genomic context (GRCh38, chr11:66,871,072, plus strand): 5'-CTGCCCTGCCCTGCTCCCAGCCCTGGGCATCTTCACTCACCTCGTAGCTGTGCACCACCC[TCATGCCACGCCCTCCACCCC>T]CATAGGCCGCCTTGAAGATGATGGGGAAGCCGTAGGTGTTGGAGAACTCGTGGGCCTCAT-3'